The following is an entry in ClinVar:

ClinVar aggregate classification (germline): Uncertain significance (1 of 4 stars; one submission).

Submission:

GeneDx
Classification: Uncertain significance. Last evaluated: 2024-02-05. Review status: criteria provided, single submitter. Criteria: GeneDx Variant Classification Process June 2021. Collection method: clinical testing. Allele origin: germline. Affected: yes.
Comment: Not observed at significant frequency in large population cohorts (gnomAD); In silico analysis supports that this missense variant has a deleterious effect on protein structure/function; Has not been previously published as pathogenic or benign to our knowledge

NM_006015.6(ARID1A):c.6376A>G (p.Ser2126Gly)

Gene: ARID1A (AT-rich interaction domain 1A; plus strand). Cytogenetic location: 1p36.11.
Variant type: single nucleotide variant.
Coding change: c.6376A>G on transcript NM_006015.6 (MANE Select); coding-DNA position 6376, A replaced by G.
Protein change: p.Ser2126Gly; replaces serine 2126 with glycine.
Molecular consequence: missense variant.
Genome position (GRCh38, 1-based): chr1:26,780,274, A>G. VCF-style: chr1-26780274-A-G. GRCh37 (hg19) VCF-style: chr1-27106765-A-G.
Other names: c.5725A>G, p.Ser1909Gly (NM_139135.4); short protein forms S1909G, S2126G.
Identifiers: ClinVar variation 3368735 (VCV003368735.1).